The following is an entry in ClinVar:

NM_206933.4(USH2A):c.4124C>A (p.Ser1375Ter)

Genes: USH2A (usherin; minus strand), USH2A-AS1 (USH2A antisense RNA 1; plus strand). Cytogenetic location: 1q41.
Variant type: single nucleotide variant.
Coding change: c.4124C>A on transcript NM_206933.4 (MANE Select); coding-DNA position 4124, C replaced by A.
Protein change: p.Ser1375Ter; replaces serine 1375 with a stop codon.
Molecular consequence: nonsense.
Genome position (GRCh38, 1-based): chr1:216,196,680, G>T on the plus strand (C>A on the coding strand, the complement: USH2A is on the minus strand). VCF-style: chr1-216196680-G-T. GRCh37 (hg19) VCF-style: chr1-216370022-G-T.
Other names: c.4124C>A, p.Ser1375Ter (NM_007123.6); short protein forms S1375*.
Identifiers: ClinVar variation 4763757 (VCV004763757.1).

ClinVar aggregate classification (germline): Pathogenic (1 of 4 stars; one submission).

Submission:

Labcorp Genetics (formerly Invitae), Labcorp
Classification: Pathogenic. Last evaluated: 2025-02-20. Review status: criteria provided, single submitter. Criteria: Invitae Variant Classification Sherloc (09022015). Collection method: clinical testing. Allele origin: germline.
Comment: This sequence change creates a premature translational stop signal (p.Ser1375*) in the USH2A gene. It is expected to result in an absent or disrupted protein product. Loss-of-function variants in USH2A are known to be pathogenic (PMID: 10729113, 10909849, 20507924, 25649381). This variant is not present in population databases (gnomAD no frequency). This premature translational stop signal has been observed in individual(s) with retinitis pigmentosa (PMID: 33090715). Algorithms developed to predict the effect of sequence changes on RNA splicing suggest that this variant may disrupt the consensus splice site. For these reasons, this variant has been classified as Pathogenic.

Literature cited by the submitters: PubMed 10729113; PubMed 10909849; PubMed 20507924; PubMed 25649381; PubMed 33090715.